The following is an entry in ClinVar:

ClinVar aggregate classification (germline): Uncertain significance (1 of 4 stars; one submission).

Conditions:
Muscular dystrophy-dystroglycanopathy (congenital with impaired intellectual development), type B, 14. Also called: Congenital muscular dystrophy-dystroglycanopathy with mental retardation, type B14; Muscular dystrophy-dystroglycanopathy (congenital with intellectual disability), type B14; MUSCULAR DYSTROPHY, CONGENITAL, GMPPB-RELATED. Identifiers: MedGen C3809221, MONDO:0014141, OMIM 615351.
Autosomal recessive limb-girdle muscular dystrophy type 2T. Also called: Limb-girdle muscular dystrophy-dystroglycanopathy, type C14; MUSCULAR DYSTROPHY-DYSTROGLYCANOPATHY, LIMB-GIRDLE, GMPPB-RELATED; MUSCULAR DYSTROPHY, LIMB-GIRDLE, TYPE 2T; Muscular dystrophy-dystroglycanopathy (limb-girdle), type c, 14. Identifiers: Orphanet 363623, MedGen C4518000, MONDO:0014142, OMIM 615352.
Muscular dystrophy-dystroglycanopathy (congenital with brain and eye anomalies), type A14. Also called: Congenital muscular dystrophy-dystroglycanopathy with brain and eye anomalies, type A14; WALKER-WARBURG SYNDROME OR MUSCLE-EYE-BRAIN DISEASE, GMPPB-RELATED; Muscular dystrophy-dystroglycanopathy (congenital with brain and eye anomalies), type a, 14; Congenital Muscular Dystrophy-Dystroglycanopathy with Brain and Eye Anomalies Type A 14. Identifiers: Orphanet 588, MedGen C3809216, MONDO:0014140, OMIM 615350.

Allele frequency attached by ClinVar (database versions not stated): gnomAD 0.00003; TOPMed 0.00003.
gnomAD v4.1: 4 of 1,613,632 alleles (0.00025%); highest among the groups gnomAD compares: African/African-American, 0.0053%; no homozygotes.

Submission:

Labcorp Genetics (formerly Invitae), Labcorp
Classification: Uncertain significance for Autosomal recessive limb-girdle muscular dystrophy type 2T; Muscular dystrophy-dystroglycanopathy (congenital with brain and eye anomalies), type A14; Muscular dystrophy-dystroglycanopathy (congenital with impaired intellectual development), type B, 14. Last evaluated: 2026-01-19. Review status: criteria provided, single submitter. Criteria: Invitae Variant Classification Sherloc (09022015). Collection method: clinical testing. Allele origin: germline.
Comment: This sequence change replaces glutamic acid, which is acidic and polar, with valine, which is neutral and non-polar, at codon 150 of the GMPPB protein (p.Glu150Val). This variant is not present in population databases (gnomAD no frequency). This variant has not been reported in the literature in individuals affected with GMPPB-related conditions. ClinVar contains an entry for this variant (Variation ID: 1402337). Invitae Evidence Modeling of protein sequence and biophysical properties (such as structural, functional, and spatial information, amino acid conservation, physicochemical variation, residue mobility, and thermodynamic stability) indicates that this missense variant is not expected to disrupt GMPPB protein function with a negative predictive value of 80%. In summary, the available evidence is currently insufficient to determine the role of this variant in disease. Therefore, it has been classified as a Variant of Uncertain Significance.

NM_021971.4(GMPPB):c.449A>T (p.Glu150Val)

Gene: GMPPB (GDP-mannose pyrophosphorylase B; minus strand). Cytogenetic location: 3p21.31.
Variant type: single nucleotide variant.
Coding change: c.449A>T on transcript NM_021971.4 (MANE Select); coding-DNA position 449, A replaced by T.
Protein change: p.Glu150Val; replaces glutamic acid 150 with valine.
Molecular consequence: missense variant.
Genome position (GRCh38, 1-based): chr3:49,722,708, T>A on the plus strand (A>T on the coding strand, the complement: GMPPB is on the minus strand). VCF-style: chr3-49722708-T-A. GRCh37 (hg19) VCF-style: chr3-49760141-T-A.
Other names: c.449A>T, p.Glu150Val (NM_013334.4); short protein forms E150V.
Identifiers: ClinVar variation 1402337 (VCV001402337.9), dbSNP rs1185784683, ClinGen allele CA352828782.